The following is an entry in ClinVar:

NM_020366.4(RPGRIP1):c.380A>G (p.His127Arg)

Gene: RPGRIP1 (RPGR interacting protein 1; plus strand). Cytogenetic location: 14q11.2.
Variant type: single nucleotide variant.
Coding change: c.380A>G on transcript NM_020366.4 (MANE Select); coding-DNA position 380, A replaced by G.
Protein change: p.His127Arg; replaces histidine 127 with arginine.
Molecular consequence: missense variant.
Genome position (GRCh38, 1-based): chr14:21,301,127, A>G. VCF-style: chr14-21301127-A-G. GRCh37 (hg19) VCF-style: chr14-21769286-A-G.
Other names: short protein forms H127R.
Identifiers: ClinVar variation 1056358 (VCV001056358.9), dbSNP rs2139156675, ClinGen allele CA388859056.

ClinVar aggregate classification (germline): Uncertain significance (1 of 4 stars; one submission).

Conditions:
Leber congenital amaurosis 6 (LCA6). Identifiers: Orphanet 65, MedGen C1854260, MONDO:0013446, OMIM 613826.
Cone-rod dystrophy 13 (CORD13). Identifiers: Orphanet 1872, MedGen C2750720, MONDO:0011987, OMIM 608194.

Allele frequency attached by ClinVar (database versions not stated): gnomAD exomes 0.00001.
gnomAD v4.1: 5 of 1,605,224 alleles (0.00031%); highest among the groups gnomAD compares: Non-Finnish European, 0.00043%; no homozygotes.

Submission:

Labcorp Genetics (formerly Invitae), Labcorp
Classification: Uncertain significance for Leber congenital amaurosis 6; Cone-rod dystrophy 13. Last evaluated: 2025-04-21. Review status: criteria provided, single submitter. Criteria: Invitae Variant Classification Sherloc (09022015). Collection method: clinical testing. Allele origin: germline.
Comment: This sequence change replaces histidine, which is basic and polar, with arginine, which is basic and polar, at codon 127 of the RPGRIP1 protein (p.His127Arg). This variant is not present in population databases (gnomAD no frequency). This variant has not been reported in the literature in individuals affected with RPGRIP1-related conditions. ClinVar contains an entry for this variant (Variation ID: 1056358). Invitae Evidence Modeling of protein sequence and biophysical properties (such as structural, functional, and spatial information, amino acid conservation, physicochemical variation, residue mobility, and thermodynamic stability) indicates that this missense variant is not expected to disrupt RPGRIP1 protein function with a negative predictive value of 80%. In summary, the available evidence is currently insufficient to determine the role of this variant in disease. Therefore, it has been classified as a Variant of Uncertain Significance.